The following is an entry in ClinVar:

NM_006415.4(SPTLC1):c.349G>A (p.Val117Ile)

Gene: SPTLC1 (serine palmitoyltransferase long chain base subunit 1; minus strand). Cytogenetic location: 9q22.31.
Variant type: single nucleotide variant.
Coding change: c.349G>A on transcript NM_006415.4 (MANE Select); coding-DNA position 349, G replaced by A.
Protein change: p.Val117Ile; replaces valine 117 with isoleucine.
Molecular consequence: missense variant. On other transcripts: 5 prime UTR variant (2).
Genome position (GRCh38, 1-based): chr9:92,080,875, C>T on the plus strand (G>A on the coding strand, the complement: SPTLC1 is on the minus strand). VCF-style: chr9-92080875-C-T. GRCh37 (hg19) VCF-style: chr9-94843157-C-T.
Other names: c.349G>A, p.Val117Ile (NM_001281303.2, NM_178324.3); c.-151G>A (NM_001368272.1); c.-117G>A (NM_001368273.1); short protein forms V117I.
Identifiers: ClinVar variation 2737055 (VCV002737055.4), dbSNP rs1834856685, ClinGen allele CA373788612.

ClinVar aggregate classification (germline): Uncertain significance. Review status: criteria provided, multiple submitters, no conflicts (2 of 4 stars). 2 submissions from 2 submitters: Uncertain significance (2). Last evaluated 2025-06-23.

Conditions:
Hereditary sensory and autonomic neuropathy type 1 (HSAN1). Also called: HSAN 1; HSN Type I; Hereditary Sensory Neuropathy Type I. Identifiers: Orphanet 36386, MedGen C0020071, MONDO:0018213.
Inborn genetic diseases. Identifiers: MedGen C0950123, MeSH D030342.

Submissions (2):

Ambry Genetics
Classification: Uncertain significance for Inborn genetic diseases. Last evaluated: 2025-06-23. Review status: criteria provided, single submitter. Criteria: Ambry Variant Classification Scheme 2023. Collection method: clinical testing. Allele origin: germline.

Labcorp Genetics (formerly Invitae), Labcorp
Classification: Uncertain significance for Hereditary sensory and autonomic neuropathy type 1. Last evaluated: 2023-07-07. Review status: criteria provided, single submitter. Criteria: Invitae Variant Classification Sherloc (09022015). Collection method: clinical testing. Allele origin: germline.
Comment: This sequence change replaces valine, which is neutral and non-polar, with isoleucine, which is neutral and non-polar, at codon 117 of the SPTLC1 protein (p.Val117Ile). This variant is not present in population databases (gnomAD no frequency). This variant has not been reported in the literature in individuals affected with SPTLC1-related conditions. Advanced modeling of protein sequence and biophysical properties (such as structural, functional, and spatial information, amino acid conservation, physicochemical variation, residue mobility, and thermodynamic stability) performed at Invitae indicates that this missense variant is not expected to disrupt SPTLC1 protein function. In summary, the available evidence is currently insufficient to determine the role of this variant in disease. Therefore, it has been classified as a Variant of Uncertain Significance.